The following is an entry in ClinVar:

NM_177438.3(DICER1):c.4508A>G (p.Tyr1503Cys)

Gene: DICER1 (dicer 1, ribonuclease III; minus strand). Cytogenetic location: 14q32.13.
Variant type: single nucleotide variant.
Coding change: c.4508A>G on transcript NM_177438.3 (MANE Select); coding-DNA position 4508, A replaced by G.
Protein change: p.Tyr1503Cys; replaces tyrosine 1503 with cysteine.
Molecular consequence: missense variant. On other transcripts: non-coding transcript variant (6).
Genome position (GRCh38, 1-based): chr14:95,096,412, T>C on the plus strand (A>G on the coding strand, the complement: DICER1 is on the minus strand). VCF-style: chr14-95096412-T-C. GRCh37 (hg19) VCF-style: chr14-95562749-T-C.
Other names: c.4508A>G, p.Tyr1503Cys (NM_001195573.1, NM_001271282.3, NM_001291628.2 and 13 more transcripts); c.4226A>G, p.Tyr1409Cys (NM_001395686.1); c.4103A>G, p.Tyr1368Cys (NM_001395687.1, NM_001395688.1, NM_001395689.1 and 2 more transcripts); c.3941A>G, p.Tyr1314Cys (NM_001395691.1); c.2825A>G, p.Tyr942Cys (NM_001395697.1); short protein forms Y1503C, Y1314C, Y1409C, Y942C, Y1368C.
Identifiers: ClinVar variation 2195728 (VCV002195728.5), dbSNP rs2542499166, ClinGen allele CA390868041.

ClinVar aggregate classification (germline): Uncertain significance. Review status: criteria provided, multiple submitters, no conflicts (2 of 4 stars). 2 submissions from 2 submitters: Uncertain significance (2). Last evaluated 2023-10-04.

Conditions:
Global developmental delay - lung cysts - overgrowth - Wilms tumor syndrome. Also called: GLOBAL DEVELOPMENTAL DELAY, LUNG CYSTS, OVERGROWTH, AND WILMS TUMOR; GLOW Syndrome. Identifiers: Orphanet 404476, MedGen C4748924, MONDO:0018445, OMIM 618272.
DICER1-related tumor predisposition. Also called: DICER1-related pleuropulmonary blastoma cancer predisposition syndrome; DICER1 syndrome. Identifiers: Orphanet 284343, MedGen C3839822, MONDO:0100216.

Allele frequency attached by ClinVar (database versions not stated): gnomAD exomes below 0.00001.

Submissions (2):

Baylor Genetics
Classification: Uncertain significance for Global developmental delay - lung cysts - overgrowth - Wilms tumor syndrome. Last evaluated: 2023-10-04. Review status: criteria provided, single submitter. Criteria: ACMG Guidelines, 2015. Collection method: clinical testing. Allele origin: unknown.

Labcorp Genetics (formerly Invitae), Labcorp
Classification: Uncertain significance for DICER1-related tumor predisposition. Last evaluated: 2023-08-18. Review status: criteria provided, single submitter. Criteria: Invitae Variant Classification Sherloc (09022015). Collection method: clinical testing. Allele origin: germline.
Comment: In summary, the available evidence is currently insufficient to determine the role of this variant in disease. Therefore, it has been classified as a Variant of Uncertain Significance. An algorithm developed to predict the effect of missense changes on protein structure and function (PolyPhen-2) suggests that this variant is likely to be disruptive. ClinVar contains an entry for this variant (Variation ID: 2195728). This variant has not been reported in the literature in individuals affected with DICER1-related conditions. This variant is not present in population databases (gnomAD no frequency). This sequence change replaces tyrosine, which is neutral and polar, with cysteine, which is neutral and slightly polar, at codon 1503 of the DICER1 protein (p.Tyr1503Cys).